The following is an entry in ClinVar:

NM_000169.3(GLA):c.687del (p.Phe229fs)

Genes: GLA (galactosidase alpha; minus strand), RPL36A-HNRNPH2 (RPL36A-HNRNPH2 readthrough; plus strand). Cytogenetic location: Xq22.1.
Variant type: Deletion.
Coding change: c.687del on transcript NM_000169.3 (MANE Select); coding-DNA position 687, one base deleted (T; older notation c.687delT).
Protein change: p.Phe229fs; shifts the reading frame from phenylalanine 229.
Molecular consequence: frameshift variant. On other transcripts: non-coding transcript variant (3), intron variant (2).
Genome position (GRCh38, 1-based): chrX:101,398,899, A deleted on the plus strand (T on the coding strand, the reverse complement: GLA is on the minus strand); the first of 4 consecutive A bases (chrX:101,398,899-101,398,902); deleting any one gives the same sequence. VCF-style (leftmost placement, unchanged base first): chrX-101398898-CA-C. GRCh37 (hg19) VCF-style: chrX-100653886-CA-C.
Other names: c.810del, p.Phe270fs (NM_001406747.1); c.687del, p.Phe229fs (NM_001406748.1); c.300+3445del (NM_001199973.2); c.177+7080del (NM_001199974.2); short protein forms F229fs, F270fs.
Identifiers: ClinVar variation 4086993 (VCV004086993.2).

ClinVar aggregate classification (germline): Pathogenic (1 of 4 stars; one submission).

Conditions:
Fabry disease. Also called: ALPHA-GALACTOSIDASE A DEFICIENCY; ANDERSON-FABRY DISEASE; CERAMIDE TRIHEXOSIDASE DEFICIENCY; GLA DEFICIENCY; HEREDITARY DYSTOPIC LIPIDOSIS; Angiokeratoma corporis diffusum. Identifiers: Orphanet 324, MedGen C0002986, MONDO:0010526, OMIM 301500, HP:0001071. Disease mechanism: Fabry disease is due to inactivating mutations in the X-linked GLA gene resulting in deficiency of the enzyme Alpha Galactosidase-A., loss of function.

Submission:

Genomenon, Inc
Classification: Pathogenic for Fabry disease. Last evaluated: 2026-09-08. Review status: criteria provided, single submitter. Criteria: Genomenon Sequence Variant Interpretation Standards - Updated. Collection method: curation. Allele origin: germline. Affected: yes.
Comment: GLA p.Phe229LeufsTer11 (c.687del) is a frameshift variant that is predicted to introduce a premature termination codon and result in a truncated or absent protein product. This variant has been observed in at least one proband with clinical features consistent with Fabry disease (PMID:31867707). A de novo occurrence of this variant has been observed in at least one affected individual (PMID:31867707). Functional or patient cell studies have been reported (PMID:31867707). It is absent or not present at a significant frequency in gnomAD. In conclusion, we classify GLA p.Phe229LeufsTer11 (c.687del) as a pathogenic variant.

Literature cited by the submitters: PubMed 31867707.